The following is an entry in ClinVar:

NM_025179.4(PLXNA2):c.2672C>G (p.Ala891Gly)

Gene: PLXNA2 (plexin A2; minus strand). Cytogenetic location: 1q32.2.
Variant type: single nucleotide variant.
Coding change: c.2672C>G on transcript NM_025179.4 (MANE Select); coding-DNA position 2672, C replaced by G.
Protein change: p.Ala891Gly; replaces alanine 891 with glycine.
Molecular consequence: missense variant.
Genome position (GRCh38, 1-based): chr1:208,060,752, G>C on the plus strand (C>G on the coding strand, the complement: PLXNA2 is on the minus strand). VCF-style: chr1-208060752-G-C. GRCh37 (hg19) VCF-style: chr1-208234097-G-C.
Other names: short protein forms A891G.
Identifiers: ClinVar variation 4762337 (VCV004762337.1).
Genomic context (GRCh38, chr1:208,060,752, plus strand): 5'-GCGATGATGTATTCCCCTGGGAGGGGCGTGCAGGGCACCCCAGCCACCTGCACATGGTGG[G>C]CGATCTCGGAGAAGTCCAGACCCAGGTTCACGCCATGGATGGTCACTCGCGTCCCTCCTT-3'
Protein context (NP_079455.3, residues 881-901): VNLGLDFSEI[Ala891Gly]HHVQVAGVPC

ClinVar aggregate classification (germline): Uncertain significance (1 of 4 stars; one submission).

Submission:

Labcorp Genetics (formerly Invitae), Labcorp
Classification: Uncertain significance. Last evaluated: 2025-06-17. Review status: criteria provided, single submitter. Criteria: Invitae Variant Classification Sherloc (09022015). Collection method: clinical testing. Allele origin: germline.
Comment: This sequence change replaces alanine, which is neutral and non-polar, with glycine, which is neutral and non-polar, at codon 891 of the PLXNA2 protein (p.Ala891Gly). This variant is not present in population databases (gnomAD no frequency). This variant has not been reported in the literature in individuals affected with PLXNA2-related conditions. Invitae Evidence Modeling of protein sequence and biophysical properties (such as structural, functional, and spatial information, amino acid conservation, physicochemical variation, residue mobility, and thermodynamic stability) indicates that this missense variant is not expected to disrupt PLXNA2 protein function with a negative predictive value of 80%. In summary, the available evidence is currently insufficient to determine the role of this variant in disease. Therefore, it has been classified as a Variant of Uncertain Significance.